The following is an entry in ClinVar:

ClinVar aggregate classification (germline): Uncertain significance (1 of 4 stars; one submission).

Conditions:
Joubert syndrome. Also called: CEREBELLOPARENCHYMAL DISORDER IV; JOUBERT-BOLTSHAUSER SYNDROME; Familial aplasia of the vermis. Identifiers: Orphanet 475, MedGen C5979921, MONDO:0018772.
Meckel-Gruber syndrome. Also called: DYSENCEPHALIA SPLANCHNOCYSTICA; GRUBER SYNDROME; Dysencephalia splachnocystica. Identifiers: Orphanet 564, MedGen C0265215, MONDO:0018921.

Allele frequency attached by ClinVar (database versions not stated): gnomAD exomes below 0.00001 and 0.00002; ExAC 0.00002; gnomAD 0.00003; TOPMed 0.00003; ESP Exome Variant Server 0.00008.
gnomAD v4.1: 10 of 1,614,068 alleles (0.00062%); highest among the groups gnomAD compares: African/African-American, 0.013%; no homozygotes.

Submission:

Labcorp Genetics (formerly Invitae), Labcorp
Classification: Uncertain significance for Joubert syndrome; Meckel-Gruber syndrome. Last evaluated: 2022-06-20. Review status: criteria provided, single submitter. Criteria: Invitae Variant Classification Sherloc (09022015). Collection method: clinical testing. Allele origin: germline.
Comment: In summary, the available evidence is currently insufficient to determine the role of this variant in disease. Therefore, it has been classified as a Variant of Uncertain Significance. Algorithms developed to predict the effect of missense changes on protein structure and function (SIFT, PolyPhen-2, Align-GVGD) all suggest that this variant is likely to be disruptive. This variant has not been reported in the literature in individuals affected with TCTN1-related conditions. This variant is present in population databases (rs368668920, gnomAD 0.03%). This sequence change replaces phenylalanine, which is neutral and non-polar, with serine, which is neutral and polar, at codon 474 of the TCTN1 protein (p.Phe474Ser).

NM_001082538.3(TCTN1):c.1421T>C (p.Phe474Ser)

Gene: TCTN1 (tectonic family member 1; plus strand). Cytogenetic location: 12q24.11.
Variant type: single nucleotide variant.
Coding change: c.1421T>C on transcript NM_001082538.3 (MANE Select); coding-DNA position 1421, T replaced by C.
Protein change: p.Phe474Ser; replaces phenylalanine 474 with serine.
Molecular consequence: missense variant. On other transcripts: non-coding transcript variant (1).
Genome position (GRCh38, 1-based): chr12:110,645,056, T>C. VCF-style: chr12-110645056-T-C. GRCh37 (hg19) VCF-style: chr12-111082861-T-C.
Other names: c.1421T>C, p.Phe474Ser (NM_001082537.3); c.1253T>C, p.Phe418Ser (NM_001173975.3); c.1094T>C, p.Phe365Ser (NM_001173976.2); c.1274T>C, p.Phe425Ser (NM_001319680.2); c.887T>C, p.Phe296Ser (NM_001319681.2); c.1379T>C, p.Phe460Ser (NM_024549.6); short protein forms F460S, F296S, F474S, F418S, F425S, F365S.
Identifiers: ClinVar variation 1401873 (VCV001401873.5), dbSNP rs368668920, ClinGen allele CA6786892.